The following is an entry in ClinVar:

NM_022166.4(XYLT1):c.2209C>A (p.Leu737Ile)

Gene: XYLT1 (xylosyltransferase 1; minus strand). Cytogenetic location: 16p12.3.
Variant type: single nucleotide variant.
Coding change: c.2209C>A on transcript NM_022166.4 (MANE Select); coding-DNA position 2209, C replaced by A.
Protein change: p.Leu737Ile; replaces leucine 737 with isoleucine.
Molecular consequence: missense variant.
Genome position (GRCh38, 1-based): chr16:17,127,680, G>T on the plus strand (C>A on the coding strand, the complement: XYLT1 is on the minus strand). VCF-style: chr16-17127680-G-T. GRCh37 (hg19) VCF-style: chr16-17221537-G-T.
Other names: short protein forms L737I.
Identifiers: ClinVar variation 1518078 (VCV001518078.8), dbSNP rs1388039038, ClinGen allele CA395218901.

ClinVar aggregate classification (germline): Uncertain significance (1 of 4 stars; one submission).

Conditions:
Desbuquois dysplasia 1 (DBQD1). Also called: DESBUQUOIS DYSPLASIA 1, KIM VARIANT; MICROMELIC DWARFISM WITH VERTEBRAL AND METAPHYSEAL ABNORMALITIES AND ADVANCED CARPOTARSAL OSSIFICATION. Identifiers: Orphanet 1425, MedGen C4012146, MONDO:0009629, OMIM 251450.

gnomAD v4.1: 2 of 1,613,150 alleles (0.00012%); highest among the groups gnomAD compares: Admixed American, 0.0033%; no homozygotes.

Submission:

Labcorp Genetics (formerly Invitae), Labcorp
Classification: Uncertain significance for Desbuquois dysplasia 1. Last evaluated: 2020-11-04. Review status: criteria provided, single submitter. Criteria: Invitae Variant Classification Sherloc (09022015). Collection method: clinical testing. Allele origin: germline.
Comment: In summary, the available evidence is currently insufficient to determine the role of this variant in disease. Therefore, it has been classified as a Variant of Uncertain Significance. Algorithms developed to predict the effect of missense changes on protein structure and function are either unavailable or do not agree on the potential impact of this missense change (SIFT: "Deleterious"; PolyPhen-2: "Probably Damaging"; Align-GVGD: "Class C0"). This variant has not been reported in the literature in individuals with XYLT1-related conditions. This variant is not present in population databases (ExAC no frequency). This sequence change replaces leucine with isoleucine at codon 737 of the XYLT1 protein (p.Leu737Ile). The leucine residue is highly conserved and there is a small physicochemical difference between leucine and isoleucine.